The following is an entry in ClinVar:

ClinVar aggregate classification (germline): Pathogenic. Review status: criteria provided, multiple submitters, no conflicts (2 of 4 stars). 3 submissions from 3 submitters: Pathogenic (2). 1 of the submissions does not count toward it. Last evaluated 2026-06-28.

Conditions:
Hypomagnesemia, seizures, and impaired intellectual development 1. Also called: Hypomagnesemia, seizures, and intellectual disability 1. Identifiers: Orphanet 34527, MedGen C4225333, MONDO:0020787, OMIM 616418.

Submissions (3):

Revvity Omics, Revvity
Classification: Pathogenic. Last evaluated: 2026-06-28. Review status: criteria provided, single submitter. Criteria: ACMG Guidelines, 2015. Collection method: clinical testing. Allele origin: germline.

GeneDx
Classification: Pathogenic. Last evaluated: 2024-06-27. Review status: criteria provided, single submitter. Criteria: GeneDx Variant Classification Process June 2021. Collection method: clinical testing. Allele origin: germline. Affected: yes.
Comment: Published functional studies suggest that the variant results in significantly reduced magnesium uptake in vitro (PMID: 24699222); Not observed at significant frequency in large population cohorts (gnomAD); In silico analysis supports that this missense variant has a deleterious effect on protein structure/function; This variant is associated with the following publications: (PMID: 34490037, 24699222, 33242000, 34604137)

OMIM
Classification: Pathogenic for HYPOMAGNESEMIA, SEIZURES, AND IMPAIRED INTELLECTUAL DEVELOPMENT 1. Last evaluated: 2014-04-01. Review status: no assertion criteria provided. Collection method: literature only. Allele origin: germline. Not counted in ClinVar's aggregate classification.

Literature cited by the submitters: PubMed 24699222 (cited by OMIM).

NM_017649.5(CNNM2):c.1069G>A (p.Glu357Lys)

Gene: CNNM2 (cyclin and CBS domain divalent metal cation transport mediator 2; plus strand). Cytogenetic location: 10q24.32.
Variant type: single nucleotide variant.
Coding change: c.1069G>A on transcript NM_017649.5 (MANE Select); coding-DNA position 1069, G replaced by A.
Protein change: p.Glu357Lys; replaces glutamic acid 357 with lysine.
Molecular consequence: missense variant.
Genome position (GRCh38, 1-based): chr10:102,919,549, G>A. VCF-style: chr10-102919549-G-A. GRCh37 (hg19) VCF-style: chr10-104679306-G-A.
Other names: c.1069G>A, p.Glu357Lys (NM_199076.3, NM_199077.3); short protein forms E357K.
Identifiers: ClinVar variation 192324 (VCV000192324.4), dbSNP rs786205910, ClinGen allele CA200200.